The following is an entry in ClinVar:

NM_022835.3(PLEKHG2):c.2839G>A (p.Val947Ile)

Gene: PLEKHG2 (pleckstrin homology and RhoGEF domain containing G2; plus strand). Cytogenetic location: 19q13.2.
Variant type: single nucleotide variant.
Coding change: c.2839G>A on transcript NM_022835.3 (MANE Select); coding-DNA position 2839, G replaced by A.
Protein change: p.Val947Ile; replaces valine 947 with isoleucine.
Molecular consequence: missense variant. On other transcripts: intron variant (1).
Genome position (GRCh38, 1-based): chr19:39,423,972, G>A. VCF-style: chr19-39423972-G-A. GRCh37 (hg19) VCF-style: chr19-39914612-G-A.
Other names: c.2839G>A (NM_022835.2); c.2662G>A, p.Val888Ile (NM_001351693.2); c.1678-1266G>A (NM_001351694.2); short protein forms V888I, V947I.
Identifiers: ClinVar variation 1442349 (VCV001442349.7), dbSNP rs146599917, ClinGen allele CA9429875.

ClinVar aggregate classification (germline): Conflicting classifications of pathogenicity. Review status: criteria provided, conflicting classifications (1 of 4 stars). 2 submissions from 2 submitters: Uncertain significance (1); Likely benign (1). Last evaluated 2025-03-07.

Allele frequency attached by ClinVar (database versions not stated): 1000 Genomes Project 30x 0.00016; 1000 Genomes Project 0.00020.

Submissions (2):

Ambry Genetics
Classification: Likely benign. Last evaluated: 2025-03-07. Review status: criteria provided, single submitter. Criteria: Ambry Variant Classification Scheme 2023. Collection method: clinical testing. Allele origin: germline.

Labcorp Genetics (formerly Invitae), Labcorp
Classification: Uncertain significance. Last evaluated: 2024-02-24. Review status: criteria provided, single submitter. Criteria: Invitae Variant Classification Sherloc (09022015). Collection method: clinical testing. Allele origin: germline.
Comment: This sequence change replaces valine, which is neutral and non-polar, with isoleucine, which is neutral and non-polar, at codon 947 of the PLEKHG2 protein (p.Val947Ile). This variant is present in population databases (rs146599917, gnomAD 0.04%). This variant has not been reported in the literature in individuals affected with PLEKHG2-related conditions. ClinVar contains an entry for this variant (Variation ID: 1442349). Algorithms developed to predict the effect of missense changes on protein structure and function output the following: SIFT: "Not Available"; PolyPhen-2: "Benign"; Align-GVGD: "Not Available". The isoleucine amino acid residue is found in multiple mammalian species, which suggests that this missense change does not adversely affect protein function. In summary, the available evidence is currently insufficient to determine the role of this variant in disease. Therefore, it has been classified as a Variant of Uncertain Significance.